The following is an entry in ClinVar:

NM_001611.5(ACP5):c.643G>A (p.Gly215Arg)

Gene: ACP5 (acid phosphatase 5, tartrate resistant; minus strand). Cytogenetic location: 19p13.2.
Variant type: single nucleotide variant.
Coding change: c.643G>A on transcript NM_001611.5 (MANE Select); coding-DNA position 643, G replaced by A.
Protein change: p.Gly215Arg; replaces glycine 215 with arginine.
Molecular consequence: missense variant.
Genome position (GRCh38, 1-based): chr19:11,576,335, C>T on the plus strand (G>A on the coding strand, the complement: ACP5 is on the minus strand). VCF-style: chr19-11576335-C-T. GRCh37 (hg19) VCF-style: chr19-11687150-C-T.
Other names: c.643G>A (NM_001111035.1); c.643G>A, p.Gly215Arg (NM_001111034.3, NM_001111035.3, NM_001111036.3 and 2 more transcripts); short protein forms G215R.
Identifiers: ClinVar variation 573309 (VCV000573309.42), dbSNP rs781199182, ClinGen allele CA9215365.

ClinVar aggregate classification (germline): Pathogenic/Likely pathogenic. Review status: criteria provided, multiple submitters, no conflicts (2 of 4 stars). 4 submissions from 4 submitters: Pathogenic (3); Likely pathogenic (1). Last evaluated 2026-03-06.

Conditions:
ACP5-related disorder. Also called: ACP5-related condition.
Spondyloenchondrodysplasia with immune dysregulation (SPENCDI). Also called: SPONDYLOENCHONDRODYSPLASIA WITH OR WITHOUT IMMUNE DYSREGULATION; ROIFMAN IMMUNOSKELETAL SYNDROME; COMBINED IMMUNODEFICIENCY WITH AUTOIMMUNITY AND SPONDYLOMETAPHYSEAL DYSPLASIA. Identifiers: Orphanet 1855, MedGen C1842763, MONDO:0011939, OMIM 607944.

Allele frequency attached by ClinVar (database versions not stated): ExAC 0.00001; gnomAD 0.00001; gnomAD exomes 0.00001; TOPMed 0.00002.
gnomAD v4.1: 4 of 1,611,300 alleles (0.00025%); highest among the groups gnomAD compares: East Asian, 0.0022%; no homozygotes.

Submissions (4):

PreventionGenetics, part of Exact Sciences
Classification: Pathogenic for ACP5-related condition. Last evaluated: 2026-03-06. Review status: criteria provided, single submitter. Criteria: ACMG Guidelines, 2015. Collection method: clinical testing. Allele origin: germline.
Comment: The ACP5 c.643G>A variant is predicted to result in the amino acid substitution p.Gly215Arg. This variant has been reported in the homozygous state in individuals with spondyloenchondrodysplasia with immune dysregulation and segregates with the disorder in related family members (see, for example: Lausch et al. 2011. PubMed ID: 21217752; Table S10, Rice et al. 2016. PubMed ID: 27943079; Briggs et al. 2011. PubMed ID: 21217755; Briggs et al. 2016. PubMed ID: 26951490). Functional studies using HEK293 cells indicate that the p.Gly215Arg variant impacts protein function (Ramesh. 2020. PubMed ID: 32214327). This variant is reported in 0.0050% of alleles in individuals of East Asian descent in gnomAD. This variant is consistently interpreted as pathogenic and likely pathogenic in ClinVar (ClinVar: 573309). This variant is interpreted as pathogenic.

Labcorp Genetics (formerly Invitae), Labcorp
Classification: Pathogenic for Spondyloenchondrodysplasia with immune dysregulation. Last evaluated: 2025-11-03. Review status: criteria provided, single submitter. Criteria: Invitae Variant Classification Sherloc (09022015). Collection method: clinical testing. Allele origin: germline.
Comment: This sequence change replaces glycine, which is neutral and non-polar, with arginine, which is basic and polar, at codon 215 of the ACP5 protein (p.Gly215Arg). The frequency data for this variant in the population databases is considered unreliable, as metrics indicate poor data quality at this position in the gnomAD database. This missense change has been observed in individuals with spondyloenchondrodysplasia and isolated autoimmune cytopenias (PMID: 21217752, 21217755, 26951490, 27718324). It has also been observed to segregate with disease in related individuals. ClinVar contains an entry for this variant (Variation ID: 573309). Invitae Evidence Modeling of protein sequence and biophysical properties (such as structural, functional, and spatial information, amino acid conservation, physicochemical variation, residue mobility, and thermodynamic stability) indicates that this missense variant is expected to disrupt ACP5 protein function with a positive predictive value of 95%. Experimental studies have shown that this missense change affects ACP5 function (PMID: 32214327). For these reasons, this variant has been classified as Pathogenic.

GeneDx
Classification: Pathogenic. Last evaluated: 2025-08-14. Review status: criteria provided, single submitter. Criteria: GeneDx Variant Classification Process June 2021. Collection method: clinical testing. Allele origin: germline. Affected: yes.
Comment: Published functional studies demonstrate a damaging effect on enzyme activity likely through affecting proteolytic processing (PMID: 32214327); In silico analysis supports that this missense variant has a deleterious effect on protein structure/function; This variant is associated with the following publications: (PMID: 21217752, 27718324, 21217755, 35418997, 35633950, 37010587, 38970732, 39560632, 27943079, 26951490, 32214327)

CeGaT Center for Human Genetics Tuebingen
Classification: Likely pathogenic. Last evaluated: 2022-11-01. Review status: criteria provided, single submitter. Criteria: CeGaT Center For Human Genetics Tuebingen Variant Classification Criteria Version 2. Collection method: clinical testing. Allele origin: germline. Affected: yes. Observed: 1 variant allele.
Comment: ACP5: PM2, PM3, PP3, PP4, PS3:Supporting

Literature cited by the submitters: PubMed 21217752 (cited by Labcorp Genetics (formerly Invitae), Labcorp); PubMed 21217755 (cited by Labcorp Genetics (formerly Invitae), Labcorp); PubMed 26951490 (cited by Labcorp Genetics (formerly Invitae), Labcorp); PubMed 27718324 (cited by Labcorp Genetics (formerly Invitae), Labcorp); PubMed 32214327 (cited by Labcorp Genetics (formerly Invitae), Labcorp).